The following is an entry in ClinVar:

ClinVar aggregate classification (germline): Uncertain significance (1 of 4 stars; one submission).

Submission:

GeneDx
Classification: Uncertain significance. Last evaluated: 2013-11-08. Review status: criteria provided, single submitter. Criteria: GeneDx Variant Classification (06012015). Collection method: clinical testing. Allele origin: germline. Affected: yes.
Comment: This variant is denoted PALLD c.2242A>T at the cDNA level, p.Ile748Leu (I748L) at the protein level, and results in the change of an Isoleucine to a Leucine (ATA>TTA) in exon 13. This variant has not, to our knowledge, been published in the literature as either a mutation or a benign polymorphism. PALLD Ile748Leu was not observed in approximately 6,500 individuals of European and African American ancestry in the NHLBI Exome Variant Server, indicating it is not a common benign variant in these populations. This variant is a conservative substitution of one neutral non-polar amino acid for another, altering a position that is well conserved throughout evolution and is located in the Pro-rich region. In silico analyses are inconsistent with regard to the effect this variant may have on protein structure and function. This gene has been recently described in association with pancreatic cancer risk, but the data are inconsistent, and the the small number of patients studied precludes specific cancer risk assessment. Based on the currently available information, we consider PALLD Ile748Leu to be a variant of unknown significance. The variant is found in HEREDICANCER panel(s).

NM_001166108.2(PALLD):c.2293A>T (p.Ile765Leu)

Genes: CBR4 (carbonyl reductase 4; minus strand), PALLD (palladin, cytoskeletal associated protein; plus strand). Cytogenetic location: 4q32.3.
Variant type: single nucleotide variant.
Coding change: c.2293A>T on transcript NM_001166108.2 (MANE Select); coding-DNA position 2293, A replaced by T.
Protein change: p.Ile765Leu; replaces isoleucine 765 with leucine.
Molecular consequence: missense variant.
Genome position (GRCh38, 1-based): chr4:168,898,535, A>T. VCF-style: chr4-168898535-A-T. GRCh37 (hg19) VCF-style: chr4-169819686-A-T.
Other names: p.I748L:ATA>TTA; c.1096A>T, p.Ile366Leu (NM_001166109.2); c.781A>T, p.Ile261Leu (NM_001166110.2); c.121A>T, p.Ile41Leu (NM_001367567.1, NM_001367569.1); c.172A>T, p.Ile58Leu (NM_001367568.1, NM_001367570.1); c.2242A>T, p.Ile748Leu (NM_016081.4); short protein forms I748L, I765L, I261L, I58L, I366L, I41L.
Identifiers: ClinVar variation 128102 (VCV000128102.2), dbSNP rs587780196, ClinGen allele CA288357.